The following is an entry in ClinVar:

ClinVar aggregate classification (germline): Uncertain significance (1 of 4 stars; one submission).

Submission:

GeneDx
Classification: Uncertain significance. Last evaluated: 2023-06-27. Review status: criteria provided, single submitter. Criteria: GeneDx Variant Classification Process June 2021. Collection method: clinical testing. Allele origin: germline. Affected: yes.
Comment: Not observed at significant frequency in large population cohorts (gnomAD); Frameshift variant predicted to result in protein truncation or nonsense mediated decay in a gene for which loss-of-function is not an established mechanism of disease; Has not been previously published as pathogenic or benign to our knowledge

NM_007317.3(KIF22):c.676del (p.Leu226fs)

Gene: KIF22 (kinesin family member 22; plus strand). Cytogenetic location: 16p11.2.
Variant type: Deletion.
Coding change: c.676del on transcript NM_007317.3 (MANE Select); coding-DNA position 676, one base deleted (C; older notation c.676delC).
Protein change: p.Leu226fs; shifts the reading frame from leucine 226.
Molecular consequence: frameshift variant.
Genome position (GRCh38, 1-based): chr16:29,799,101, C deleted; the last of 2 consecutive C bases (chr16:29,799,100-29,799,101); deleting either gives the same sequence. VCF-style (leftmost placement, unchanged base first): chr16-29799099-TC-T. GRCh37 (hg19) VCF-style: chr16-29810420-TC-T.
Other names: c.472del, p.Leu158fs (NM_001256269.2, NM_001256270.1); short protein forms L158fs, L226fs.
Identifiers: ClinVar variation 3360389 (VCV003360389.1).